The following is an entry in ClinVar:

ClinVar aggregate classification (germline): Likely benign (1 of 4 stars; one submission).

Conditions:
Malignant hyperthermia, susceptibility to, 1 (MHS1). Also called: RYR1-Related Malignant Hyperthermia Susceptibility; Anesthesia related hyperthermia; Malignant hyperpyrexia; Fulminating hyperpyrexia; Pharmacogenic myopathy; Malignant hyperthermia suceptibility 1. Identifiers: Orphanet 423, MedGen C2930980, MONDO:0007783, OMIM 145600.

Allele frequency attached by ClinVar (database versions not stated): gnomAD exomes below 0.00001; ExAC 0.00001; TOPMed 0.00001.
gnomAD v4.1: 5 of 1,613,884 alleles (0.00031%); highest among the groups gnomAD compares: Admixed American, 0.0067%; no homozygotes.

Submission:

All of Us Research Program, National Institutes of Health
Classification: Likely benign for Malignant hyperthermia, susceptibility to, 1. Last evaluated: 2023-03-07. Review status: criteria provided, single submitter. Criteria: ACMG Guidelines, 2015. Collection method: clinical testing. Allele origin: germline. Inheritance: Autosomal dominant inheritance. Observed: 1 variant allele, 1 heterozygote.
Comment: This study involves interpretation of variants in research participants for the purpose of population health screening. Participant phenotype was not available at the time of variant classification. Additional details can be found in publication PMID: 35346344, PMCID: PMC8962531

NM_000540.3(RYR1):c.15039G>A (p.Lys5013=)

Gene: RYR1 (ryanodine receptor 1; plus strand). Cytogenetic location: 19q13.2.
Variant type: single nucleotide variant.
Coding change: c.15039G>A on transcript NM_000540.3 (MANE Select); coding-DNA position 15039, G replaced by A.
Protein change: p.Lys5013=; no amino-acid change (lysine 5013 retained).
Molecular consequence: synonymous variant.
Genome position (GRCh38, 1-based): chr19:38,587,342, G>A. VCF-style: chr19-38587342-G-A. GRCh37 (hg19) VCF-style: chr19-39077982-G-A.
Other names: c.15024G>A, p.Lys5008= (NM_001042723.2).
Identifiers: ClinVar variation 3069754 (VCV003069754.1), dbSNP rs749970213, ClinGen allele CA062029.